The following is an entry in ClinVar:

ClinVar aggregate classification (germline): Uncertain significance (3 of 4 stars; one submission).

Conditions:
Monogenic diabetes. Identifiers: Orphanet 183625, MedGen C3888631, MONDO:0015967.

Submission:

ClinGen Monogenic Diabetes Variant Curation Expert Panel
Classification: Uncertain significance for Monogenic diabetes. Last evaluated: 2025-07-25. Review status: reviewed by expert panel. Criteria: ClinGen Diabetes ACMG Specifications HNF4A V3.0.0. Collection method: curation. Allele origin: germline. Inheritance: Autosomal dominant inheritance.
Comment: The c.821A>T variant in the hepatocyte nuclear factor 4-alpha gene, HNF4A, causes an amino acid change of aspartic acid to valine at codon 274 (p.(Asp274Val)) of NM_175914.5. This variant is absent from gnomAD v2.1.1 and v4.1.0 (PM2_Supporting). This variant is predicted to be deleterious by computational evidence, with a REVEL score of 0.972, which is greater than the MDEP VCEP threshold of 0.70 (PP3). In summary, c.821A>T meets the criteria to be classified as a variant of uncertain significance for monogenic diabetes. ACMG/AMP criteria applied, as specified by the ClinGen MDEP VCEP (specification version 3.0.0, approved 6/30/2025): PM2_Supporting, PP3

NM_175914.5(HNF4A):c.821A>T (p.Asp274Val)

Gene: HNF4A (hepatocyte nuclear factor 4 alpha; plus strand). Cytogenetic location: 20q13.12.
Variant type: single nucleotide variant.
Coding change: c.821A>T on transcript NM_175914.5 (MANE Select); coding-DNA position 821, A replaced by T.
Protein change: p.Asp274Val; replaces aspartic acid 274 with valine.
Molecular consequence: missense variant.
Genome position (GRCh38, 1-based): chr20:44,419,871, A>T. VCF-style: chr20-44419871-A-T. GRCh37 (hg19) VCF-style: chr20-43048511-A-T.
Other names: NM_175914.5:c.821A>T; c.887A>T, p.Asp296Val (NM_000457.6, NM_178849.3, NM_178850.3); c.821A>T, p.Asp274Val (NM_001030003.3, NM_001030004.3); c.866A>T, p.Asp289Val (NM_001258355.2); c.812A>T, p.Asp271Val (NM_001287182.2, NM_001287183.2, NM_001287184.2); short protein forms D271V, D274V, D289V, D296V.
Identifiers: ClinVar variation 4071502 (VCV004071502.1).